The following is an entry in ClinVar:

ClinVar aggregate classification (germline): Benign/Likely benign. Review status: criteria provided, multiple submitters, no conflicts (2 of 4 stars). 2 submissions from 2 submitters: Benign (1); Likely benign (1). Last evaluated 2025-09-20.

Conditions:
Tuberous sclerosis 2 (TSC2). Identifiers: Orphanet 805, MedGen C1860707, MONDO:0013199, OMIM 613254.

Submissions (2):

Labcorp Genetics (formerly Invitae), Labcorp
Classification: Likely benign for Tuberous sclerosis 2. Last evaluated: 2025-09-20. Review status: criteria provided, single submitter. Criteria: Invitae Variant Classification Sherloc (09022015). Collection method: clinical testing. Allele origin: germline.

Myriad Genetics, Inc.
Classification: Benign for Tuberous sclerosis 2. Last evaluated: 2025-05-02. Review status: criteria provided, single submitter. Criteria: Myriad Autosomal Dominant, Autosomal Recessive and X-Linked Classification Criteria (2023). Collection method: clinical testing. Allele origin: unknown.
Comment: This variant is considered benign. This variant is a silent/synonymous amino acid change and it is not expected to impact splicing.

NM_000548.5(TSC2):c.240A>G (p.Ala80=)

Gene: TSC2 (TSC complex subunit 2; plus strand). Cytogenetic location: 16p13.3.
Variant type: single nucleotide variant.
Coding change: c.240A>G on transcript NM_000548.5 (MANE Select); coding-DNA position 240, A replaced by G.
Protein change: p.Ala80=; no amino-acid change (alanine 80 retained).
Molecular consequence: synonymous variant. On other transcripts: 5 prime UTR variant (14), non-coding transcript variant (5), intron variant (9).
Genome position (GRCh38, 1-based): chr16:2,053,356, A>G. VCF-style: chr16-2053356-A-G. GRCh37 (hg19) VCF-style: chr16-2103357-A-G.
Other names: c.240A>G, p.Ala80= (NM_001077183.3, NM_001114382.3, NM_001363528.2 and 10 more transcripts); c.93A>G, p.Ala31= (NM_001318829.2, NM_001406675.1, NM_001406676.1 and 2 more transcripts); c.273A>G, p.Ala91= (NM_001318832.2); c.-577A>G (NM_001406680.1, NM_001406683.1, NM_001406687.1); c.-206A>G (NM_001406681.1); c.-1192A>G (NM_001406689.1, NM_001406690.1, NM_001406691.1 and 2 more transcripts); c.-1498A>G (NM_001406693.1); c.-1073A>G (NM_001406694.1, NM_001406695.1); and 4 more.
Identifiers: ClinVar variation 4071049 (VCV004071049.2).